The following is an entry in ClinVar:

NM_001368894.2(PAX6):c.-129+8C>T

Gene: PAX6 (paired box 6; minus strand). Cytogenetic location: 11p13.
Variant type: single nucleotide variant.
Coding change: c.-129+8C>T on transcript NM_001368894.2 (MANE Select); 8 bases into the intron after 129 bases upstream of the start codon, C replaced by T.
Molecular consequence: intron variant.
Genome position (GRCh38, 1-based): chr11:31,810,820, G>A on the plus strand (C>T on the coding strand, the complement: PAX6 is on the minus strand). VCF-style: chr11-31810820-G-A. GRCh37 (hg19) VCF-style: chr11-31832368-G-A.
Other names: c.-129+8C>T (NM_001127612.3, NM_001368921.2, NM_001368923.2 and 26 more transcripts); c.-29+8C>T (NM_001368910.2); c.-268+8C>T (NM_001368909.2); c.13+8C>T (NM_001368911.2); c.-406+8C>T (NM_001368904.2); c.-910+8C>T (NM_001368905.2).
Identifiers: ClinVar variation 4977114 (VCV004977114.1).
Genomic context (GRCh38, chr11:31,810,820, plus strand): 5'-GGGAGGAAGGGGGAGACCTGTCTGAATATTGCAATAAAAATAAAGCGAGAAGAAAGAAGC[G>A]GACTCACCTTTATGAGGCATCCTTTCTGGTTGTCACAGCTTCTGTCAAGAGTTTTGTTTG-3'

ClinVar aggregate classification (germline): Likely benign (1 of 4 stars; one submission).

Conditions:
PAX6-related disorder. Also called: PAX6-related disorders; PAX6-related condition.

gnomAD v4.1: 3 of 398,918 alleles (0.00075%); highest among the groups gnomAD compares: African/African-American, 0.0062%; no homozygotes.

Submission:

PreventionGenetics, part of Exact Sciences
Classification: Likely benign for PAX6-related condition. Last evaluated: 2026-07-14. Review status: criteria provided, single submitter. Criteria: ACMG Guidelines, 2015. Collection method: clinical testing. Allele origin: germline.
Comment: This variant is classified as likely benign based on ACMG/AMP sequence variant interpretation guidelines (Richards et al. 2015 PMID: 25741868, with internal and published modifications).